The following is an entry in ClinVar:

ClinVar aggregate classification (germline): Uncertain significance (1 of 4 stars; one submission).

Submission:

Women's Health and Genetics/Laboratory Corporation of America, LabCorp
Classification: Uncertain significance. Last evaluated: 2024-05-30. Review status: criteria provided, single submitter. Criteria: LabCorp Variant Classification Summary - May 2015. Collection method: clinical testing. Allele origin: germline.
Comment: Variant summary: SYNE1 c.20051G>A (p.Arg6684Gln) results in a conservative amino acid change in the encoded protein sequence. Three of five in-silico tools predict a benign effect of the variant on protein function. The variant allele was found at a frequency of 4e-06 in 251372 control chromosomes. The available data on variant occurrences in the general population are insufficient to allow any conclusion about variant significance. To our knowledge, no occurrence of c.20051G>A in individuals affected with SYNE1-Related Disorders and no experimental evidence demonstrating its impact on protein function have been reported. No submitters have cited clinical-significance assessments for this variant to ClinVar. Based on the evidence outlined above, the variant was classified as uncertain significance.

NM_182961.4(SYNE1):c.20264G>A (p.Arg6755Gln)

Gene: SYNE1 (spectrin repeat containing nuclear envelope protein 1; minus strand). Cytogenetic location: 6q25.2.
Variant type: single nucleotide variant.
Coding change: c.20264G>A on transcript NM_182961.4 (MANE Select); coding-DNA position 20264, G replaced by A.
Protein change: p.Arg6755Gln; replaces arginine 6755 with glutamine.
Molecular consequence: missense variant.
Genome position (GRCh38, 1-based): chr6:152,236,239, C>T on the plus strand (G>A on the coding strand, the complement: SYNE1 is on the minus strand). VCF-style: chr6-152236239-C-T. GRCh37 (hg19) VCF-style: chr6-152557374-C-T.
Other names: c.20051G>A, p.Arg6684Gln (NM_033071.5); short protein forms R6684Q, R6755Q.
Identifiers: ClinVar variation 3336005 (VCV003336005.1).